The following is an entry in ClinVar:

NM_002335.4(LRP5):c.2503+10G>A

Gene: LRP5 (LDL receptor related protein 5; plus strand). Cytogenetic location: 11q13.2.
Variant type: single nucleotide variant.
Coding change: c.2503+10G>A on transcript NM_002335.4 (MANE Select); 10 bases into the intron after coding-DNA position 2503, G replaced by A.
Molecular consequence: intron variant.
Genome position (GRCh38, 1-based): chr11:68,411,630, G>A. VCF-style: chr11-68411630-G-A. GRCh37 (hg19) VCF-style: chr11-68179098-G-A.
Other names: c.760+10G>A (NM_001291902.2).
Identifiers: ClinVar variation 732738 (VCV000732738.16), dbSNP rs191125304, ClinGen allele CA6149649.

ClinVar aggregate classification (germline): Likely benign. Review status: criteria provided, multiple submitters, no conflicts (2 of 4 stars). 6 submissions from 6 submitters: Likely benign (3). 3 of the submissions do not count toward it. Last evaluated 2026-01-23.

Conditions:
Worth disease. Also called: OSTEOSCLEROSIS, AUTOSOMAL DOMINANT; ENDOSTEAL HYPEROSTOSIS, AUTOSOMAL DOMINANT; Autosomal dominant osteosclerosis, Worth type. Identifiers: Orphanet 2790, MedGen C0432273, MONDO:0007764, OMIM 144750.
Autosomal dominant osteopetrosis 1 (OPTA1). Also called: OSTEOPETROSIS, AUTOSOMAL DOMINANT, TYPE I. Identifiers: Orphanet 2783, MedGen C1843330, MONDO:0011877, OMIM 607634.
Polycystic liver disease 4 with or without kidney cysts. Identifiers: MedGen C4693479, MONDO:0044327, OMIM 617875.
Bone mineral density quantitative trait locus 1 (BMND1). Identifiers: MedGen C1866079, OMIM 601884.
Exudative vitreoretinopathy 4 (EVR4). Identifiers: Orphanet 891, MedGen C1866176, MONDO:0011151, OMIM 601813.
Osteoporosis with pseudoglioma (OPPG). Also called: osteoporosis-pseudoglioma syndrome. Identifiers: Orphanet 2788, MedGen C0432252, MONDO:0009820, OMIM 259770.
Exudative vitreoretinopathy 1 (EVR1). Also called: CRISWICK-SCHEPENS SYNDROME; FEVR, AUTOSOMAL DOMINANT; Familial exudative vitreoretinopathy, autosomal dominant. Identifiers: Orphanet 891, Orphanet 90050, MedGen C1851402, MONDO:0007589, OMIM 133780.
Osteoporosis. Identifiers: MedGen C0029456, MONDO:0005298, OMIM 166710, HP:0000939.
LRP5-related disorder. Also called: LRP5-related condition.

Allele frequency attached by ClinVar (database versions not stated): gnomAD exomes 0.00009 and 0.00019; ExAC 0.00017; ESP Exome Variant Server 0.00031; gnomAD 0.00031 and 0.00035; TOPMed 0.00048; 1000 Genomes Project 0.00120; 1000 Genomes Project 30x 0.00156.
gnomAD v4.1: 192 of 1,604,424 alleles (0.012%); highest among the groups gnomAD compares: African/African-American, 0.12%; no homozygotes.

Submissions (6):

Labcorp Genetics (formerly Invitae), Labcorp
Classification: Likely benign. Last evaluated: 2026-01-23. Review status: criteria provided, single submitter. Criteria: Invitae Variant Classification Sherloc (09022015). Collection method: clinical testing. Allele origin: germline.

Blueprint Genetics
Classification: Likely benign. Last evaluated: 2024-07-23. Review status: criteria provided, single submitter. Criteria: ACMG Guidelines, 2015. Collection method: clinical testing. Allele origin: germline.

Fulgent Genetics
Classification: Likely benign for Exudative vitreoretinopathy 1; Worth disease; Osteoporosis; Osteoporosis with pseudoglioma; Exudative vitreoretinopathy 4; Bone mineral density quantitative trait locus 1; Autosomal dominant osteopetrosis 1; Polycystic liver disease 4 with or without kidney cysts. Last evaluated: 2021-09-17. Review status: criteria provided, single submitter. Criteria: ACMG Guidelines, 2015. Collection method: clinical testing. Allele origin: unknown.

PreventionGenetics, part of Exact Sciences
Classification: Likely benign for LRP5-related condition. Last evaluated: 2019-04-26. Review status: no assertion criteria provided. Collection method: clinical testing. Allele origin: germline. Not counted in ClinVar's aggregate classification.
Comment: This variant is classified as likely benign based on ACMG/AMP sequence variant interpretation guidelines (Richards et al. 2015 PMID: 25741868, with internal and published modifications).

Clinical Genetics DNA and cytogenetics Diagnostics Lab, Erasmus MC, Erasmus Medical Center
Classification: Likely benign. Review status: no assertion criteria provided. Collection method: clinical testing. Allele origin: germline. Affected: yes. Study: VKGL Data-share Consensus. Not counted in ClinVar's aggregate classification.

Genome Diagnostics Laboratory, Amsterdam University Medical Center
Classification: Likely benign. Review status: no assertion criteria provided. Collection method: clinical testing. Allele origin: germline. Affected: yes. Study: VKGL Data-share Consensus. Not counted in ClinVar's aggregate classification.